The following is an entry in ClinVar:

ClinVar aggregate classification (germline): Conflicting classifications of pathogenicity. Review status: criteria provided, conflicting classifications (1 of 4 stars). 7 submissions from 7 submitters: Uncertain significance (1); Likely benign (5). 1 of the submissions does not count toward it. Last evaluated 2026-01-09.

Conditions:
CHD7-related disorder. Also called: CHD7-related condition.
Inborn genetic diseases. Identifiers: MedGen C0950123, MeSH D030342.
CHARGE syndrome (CHARGE). Also called: CHARGE ASSOCIATION--COLOBOMA, HEART ANOMALY, CHOANAL ATRESIA, RETARDATION, GENITAL AND EAR ANOMALIES; Coloboma, heart anomaly, choanal atresia, retardation, genital and ear anomalies; CHARGE association; Hall-Hittner syndrome; Hittner Hirsch Kreh syndrome. Identifiers: Orphanet 138, MedGen C0265354, MONDO:0008965.

Allele frequency attached by ClinVar (database versions not stated): TOPMed 0.00002; gnomAD exomes 0.00009; ExAC 0.00011; gnomAD 0.00002.
gnomAD v4.1: 72 of 1,613,896 alleles (0.0045%); highest among the groups gnomAD compares: South Asian, 0.044%; 1 homozygote.

Submissions (7):

Labcorp Genetics (formerly Invitae), Labcorp
Classification: Likely benign for CHARGE syndrome. Last evaluated: 2026-01-09. Review status: criteria provided, single submitter. Criteria: Invitae Variant Classification Sherloc (09022015). Collection method: clinical testing. Allele origin: germline.

Laboratory of Genetics, Children's Clinical University Hospital Latvia
Classification: Likely benign. Last evaluated: 2025-02-16. Review status: criteria provided, single submitter. Criteria: ACMG Guidelines, 2015. Collection method: clinical testing. Allele origin: germline. Affected: yes.

Blueprint Genetics
Classification: Likely benign. Last evaluated: 2024-11-19. Review status: criteria provided, single submitter. Criteria: ACMG Guidelines, 2015. Collection method: clinical testing. Allele origin: germline.

Ambry Genetics
Classification: Likely benign for Inborn genetic diseases. Last evaluated: 2023-03-25. Review status: criteria provided, single submitter. Criteria: Ambry Variant Classification Scheme 2023. Collection method: clinical testing. Allele origin: germline.

GeneDx
Classification: Likely benign. Last evaluated: 2020-11-04. Review status: criteria provided, single submitter. Criteria: GeneDx Variant Classification Process June 2021. Collection method: clinical testing. Allele origin: germline. Affected: yes.

Eurofins Ntd Llc (ga)
Classification: Uncertain significance. Last evaluated: 2014-03-03. Review status: criteria provided, single submitter. Criteria: EGL Classification Definitions 2015. Collection method: clinical testing. Allele origin: germline. Observed: 1 variant allele, 1 heterozygote.

PreventionGenetics, part of Exact Sciences
Classification: Likely benign for CHD7-related condition. Last evaluated: 2022-05-25. Review status: no assertion criteria provided. Collection method: clinical testing. Allele origin: germline. Not counted in ClinVar's aggregate classification.
Comment: This variant is classified as likely benign based on ACMG/AMP sequence variant interpretation guidelines (Richards et al. 2015 PMID: 25741868, with internal and published modifications).

NM_017780.4(CHD7):c.7346G>C (p.Arg2449Thr)

Gene: CHD7 (chromodomain helicase DNA binding protein 7; plus strand). Cytogenetic location: 8q12.2.
Variant type: single nucleotide variant.
Coding change: c.7346G>C on transcript NM_017780.4 (MANE Select); coding-DNA position 7346, G replaced by C.
Protein change: p.Arg2449Thr; replaces arginine 2449 with threonine.
Molecular consequence: missense variant. On other transcripts: intron variant (1).
Genome position (GRCh38, 1-based): chr8:60,856,626, G>C. VCF-style: chr8-60856626-G-C. GRCh37 (hg19) VCF-style: chr8-61769185-G-C.
Other names: c.1717-5603G>C (NM_001316690.1).
Identifiers: ClinVar variation 166878 (VCV000166878.20), dbSNP rs727503870, ClinGen allele CA233737.